The following is an entry in ClinVar:

ClinVar aggregate classification (germline): Likely benign (1 of 4 stars; one submission).

Allele frequency attached by ClinVar (database versions not stated): 1000 Genomes Project 30x 0.00078; ExAC 0.00375; TOPMed 0.00468; gnomAD 0.00515; gnomAD exomes 0.00750.
gnomAD v4.1: 10,322 of 1,445,728 alleles (0.71%); highest among the groups gnomAD compares: Non-Finnish European, 0.87%; 51 homozygotes.

Submission:

CeGaT Center for Human Genetics Tuebingen
Classification: Likely benign. Last evaluated: 2022-03-01. Review status: criteria provided, single submitter. Criteria: CeGaT Center For Human Genetics Tuebingen Variant Classification Criteria Version 2. Collection method: clinical testing. Allele origin: germline. Affected: yes. Observed: 1 variant allele.
Comment: TOR4A: BP4, BP7

NM_017723.3(TOR4A):c.93C>T (p.Arg31=)

Gene: TOR4A (torsin family 4 member A; plus strand). Cytogenetic location: 9q34.3.
Variant type: single nucleotide variant.
Coding change: c.93C>T on transcript NM_017723.3 (MANE Select); coding-DNA position 93, C replaced by T.
Protein change: p.Arg31=; no amino-acid change (arginine 31 retained).
Molecular consequence: synonymous variant.
Genome position (GRCh38, 1-based): chr9:137,278,782, C>T. VCF-style: chr9-137278782-C-T. GRCh37 (hg19) VCF-style: chr9-140173234-C-T.
Identifiers: ClinVar variation 2659818 (VCV002659818.24), dbSNP rs186114721, ClinGen allele CA5367337.